The following is an entry in ClinVar:

ClinVar aggregate classification (germline): Pathogenic. Review status: criteria provided, multiple submitters, no conflicts (2 of 4 stars). 2 submissions from 2 submitters: Pathogenic (2). Last evaluated 2025-01-12.

Conditions:
Cardiovascular phenotype. Identifiers: MedGen CN230736.
Telangiectasia, hereditary hemorrhagic, type 2 (HHT2). Also called: ACVRL1-Related Hereditary Hemorrhagic Telangiectasia; Telangiectasia, hereditary hemorrhagic, type II. Identifiers: Orphanet 774, MedGen C1838163, MONDO:0010880, OMIM 600376. Disease mechanism: loss of function.

Submissions (2):

Labcorp Genetics (formerly Invitae), Labcorp
Classification: Pathogenic for Telangiectasia, hereditary hemorrhagic, type 2. Last evaluated: 2025-01-12. Review status: criteria provided, single submitter. Criteria: Invitae Variant Classification Sherloc (09022015). Collection method: clinical testing. Allele origin: germline.
Comment: This sequence change affects an acceptor splice site in intron 9 of the ACVRL1 gene. While this variant is not anticipated to result in nonsense mediated decay, it likely alters RNA splicing and results in a disrupted protein product. This variant is not present in population databases (gnomAD no frequency). Disruption of this splice site has been observed in individuals with hereditary hemorrhagic telangiectasia (PMID: 16542389, 30251589, 32503579; 18673552 internal data). ClinVar contains an entry for this variant (Variation ID: 411302). Variants that disrupt the consensus splice site are a relatively common cause of aberrant splicing (PMID: 17576681, 9536098). Algorithms developed to predict the effect of sequence changes on RNA splicing suggest that this variant may disrupt the consensus splice site. For these reasons, this variant has been classified as Pathogenic.

Ambry Genetics
Classification: Pathogenic for Cardiovascular phenotype. Last evaluated: 2022-11-17. Review status: criteria provided, single submitter. Criteria: Ambry Variant Classification Scheme 2023. Collection method: clinical testing. Allele origin: germline.
Comment: The c.1378-1G>A intronic pathogenic mutation results from a G to A substitution one nucleotide upstream from coding exon 9 of the ACVRL1 gene. This alteration occurs at the 3' terminus of the ACVRL1 gene, is not expected to trigger nonsense-mediated mRNA decay, and only impacts the last 8.5% of the protein. The exact functional effect of this alteration is unknown; however, the impacted region is critical for protein function (Ambry internal data). This variant is considered to be rare based on population cohorts in the Genome Aggregation Database (gnomAD). In silico splice site analysis predicts that this alteration will weaken the native splice acceptor site and will result in the creation or strengthening of a novel splice acceptor site. Based on the supporting evidence, this alteration is interpreted as a disease-causing mutation.

Literature cited by the submitters: PubMed 16542389 (cited by Labcorp Genetics (formerly Invitae), Labcorp); PubMed 30251589 (cited by Labcorp Genetics (formerly Invitae), Labcorp); PubMed 32503579 (cited by Labcorp Genetics (formerly Invitae), Labcorp); PubMed 18673552 (cited by Labcorp Genetics (formerly Invitae), Labcorp); PubMed 17576681 (cited by Labcorp Genetics (formerly Invitae), Labcorp); PubMed 9536098 (cited by Labcorp Genetics (formerly Invitae), Labcorp).

NM_000020.3(ACVRL1):c.1378-1G>A

Gene: ACVRL1 (activin A receptor like type 1; plus strand). Cytogenetic location: 12q13.13.
Variant type: single nucleotide variant.
Coding change: c.1378-1G>A on transcript NM_000020.3 (MANE Select); the canonical splice acceptor site of the intron before coding-DNA position 1378, G replaced by A.
Molecular consequence: splice acceptor variant.
Genome position (GRCh38, 1-based): chr12:51,920,758, G>A. VCF-style: chr12-51920758-G-A. GRCh37 (hg19) VCF-style: chr12-52314542-G-A.
Other names: c.1378-1G>A (NM_001406487.1, NM_001077401.2); c.1066-1G>A (NM_001406491.1, NM_001406492.1); c.1222-1G>A (NM_001406490.1); c.868-1G>A (NM_001406494.1); c.814-1G>A (NM_001406495.1).
Identifiers: ClinVar variation 411302 (VCV000411302.5), dbSNP rs1060503237, ClinGen allele CA16613756.
Genomic context (GRCh38, chr12:51,920,758, plus strand): 5'-TCCTCTTCTCTGCATCTCTCTCTCTGCCTCCTCTCCTCTGCACCTCTCTCCCAACCCCCA[G>A]GTCCTCTCAGGCCTAGCTCAGATGATGCGGGAGTGCTGGTACCCAAACCCCTCTGCCCGA-3'